The following is an entry in ClinVar:

NM_004519.4(KCNQ3):c.720G>A (p.Met240Ile)

Gene: KCNQ3 (potassium voltage-gated channel subfamily Q member 3; minus strand). Cytogenetic location: 8q24.22.
Variant type: single nucleotide variant.
Coding change: c.720G>A on transcript NM_004519.4 (MANE Select); coding-DNA position 720, G replaced by A.
Protein change: p.Met240Ile; replaces methionine 240 with isoleucine.
Molecular consequence: missense variant.
Genome position (GRCh38, 1-based): chr8:132,180,214, C>T on the plus strand (G>A on the coding strand, the complement: KCNQ3 is on the minus strand). VCF-style: chr8-132180214-C-T. GRCh37 (hg19) VCF-style: chr8-133192461-C-T.
Other names: c.360G>A, p.Met120Ile (NM_001204824.2); c.720G>A (NM_004519.3); short protein forms M120I, M240I.
Identifiers: ClinVar variation 2128731 (VCV002128731.5), dbSNP rs2536952571, ClinGen allele CA372290776.

ClinVar aggregate classification (germline): Uncertain significance. Review status: criteria provided, multiple submitters, no conflicts (2 of 4 stars). 2 submissions from 2 submitters: Uncertain significance (2). Last evaluated 2024-06-24.

Conditions:
Benign neonatal seizures. Also called: Convulsions benign familial neonatal dominant form; Autosomal dominant form of benign neonatal seizures; Benign familial neonatal epilepsy; Benign neonatal familial convulsions; Benign familial neonatal seizures. Identifiers: Orphanet 1949, MedGen C0220669, MONDO:0016027.

Submissions (2):

GeneDx
Classification: Uncertain significance. Last evaluated: 2024-06-24. Review status: criteria provided, single submitter. Criteria: GeneDx Variant Classification Process June 2021. Collection method: clinical testing. Allele origin: germline. Affected: yes.
Comment: Not observed at significant frequency in large population cohorts (gnomAD); In silico analysis supports that this missense variant has a deleterious effect on protein structure/function; Has not been previously published as pathogenic or benign to our knowledge; This variant is associated with the following publications: (PMID: 33013448)

Labcorp Genetics (formerly Invitae), Labcorp
Classification: Uncertain significance for Benign neonatal seizures. Last evaluated: 2022-08-21. Review status: criteria provided, single submitter. Criteria: Invitae Variant Classification Sherloc (09022015). Collection method: clinical testing. Allele origin: germline.
Comment: This sequence change replaces methionine, which is neutral and non-polar, with isoleucine, which is neutral and non-polar, at codon 240 of the KCNQ3 protein (p.Met240Ile). This variant is not present in population databases (gnomAD no frequency). This variant has not been reported in the literature in individuals affected with KCNQ3-related conditions. Advanced modeling of protein sequence and biophysical properties (such as structural, functional, and spatial information, amino acid conservation, physicochemical variation, residue mobility, and thermodynamic stability) performed at Invitae indicates that this missense variant is expected to disrupt KCNQ3 protein function. In summary, the available evidence is currently insufficient to determine the role of this variant in disease. Therefore, it has been classified as a Variant of Uncertain Significance.